The following is an entry in ClinVar:

NM_020928.2(ZSWIM6):c.492_525delinsCGCCGCCGCCGCCGCCGCT (p.162TSAAA[1])

Gene: ZSWIM6 (zinc finger SWIM-type containing 6; plus strand). Cytogenetic location: 5q12.1.
Variant type: Indel.
Coding change: c.492_525delinsCGCCGCCGCCGCCGCCGCT on transcript NM_020928.2 (MANE Select); coding-DNA positions 492 to 525, the reference bases replaced by CGCCGCCGCCGCCGCCGCT.
Protein change: p.162TSAAA[1].
Molecular consequence: inframe deletion.
Genome position (GRCh38, 1-based): chr5:61,332,764-61,332,797, 34 bases replaced. GRCh37 (hg19): chr5:60,628,591-60,628,624.
Identifiers: ClinVar variation 1515553 (VCV001515553.8), dbSNP rs2112013432, ClinGen allele CA2573139762.

ClinVar aggregate classification (germline): Uncertain significance (1 of 4 stars; one submission).

Submission:

Labcorp Genetics (formerly Invitae), Labcorp
Classification: Uncertain significance. Last evaluated: 2021-01-08. Review status: criteria provided, single submitter. Criteria: Invitae Variant Classification Sherloc (09022015). Collection method: clinical testing. Allele origin: germline.
Comment: This variant has not been reported in the literature in individuals with ZSWIM6-related conditions. In summary, the available evidence is currently insufficient to determine the role of this variant in disease. Therefore, it has been classified as a Variant of Uncertain Significance. Experimental studies and prediction algorithms are not available or were not evaluated, and the functional significance of this variant is currently unknown. The frequency data for this variant in the population databases is considered unreliable, as metrics indicate insufficient coverage at this position in the ExAC database. This variant, c.492_525delins19, results in the deletion of 5 amino acid(s) of the ZSWIM6 protein (p.Thr167_Ala171del), but otherwise preserves the integrity of the reading frame.